The following is an entry in ClinVar:

NM_000264.5(PTCH1):c.1737AGT[1] (p.Val582del)

Genes: PTCH1 (patched 1; minus strand), LOC100507346 (uncharacterized LOC100507346; plus strand). Cytogenetic location: 9q22.32.
Variant type: Microsatellite.
Coding change: c.1737AGT[1] on transcript NM_000264.5 (MANE Select); one copy of the 3-base unit AGT starting at c.1737; the reference has two copies in a row; one copy, 3 bases deleted.
Protein change: p.Val582del; deletes valine 582.
Molecular consequence: inframe deletion. On other transcripts: non-coding transcript variant (2).
Genome position (GRCh38, 1-based): chr9:95,469,918-95,469,920, ACT deleted on the plus strand (AGT on the coding strand, the reverse complement: PTCH1 is on the minus strand); deleting any 3 consecutive bases within chr9:95,469,918-95,469,925 gives the same sequence; the position shown is the placement nearest the transcript's 3' end. VCF-style (leftmost placement, unchanged base first): chr9-95469917-CACT-C. GRCh37 (hg19) VCF-style: chr9-98232199-CACT-C.
Other names: c.1539AGT[1], p.Val516del (NM_001083602.3); c.1734AGT[1], p.Val581del (NM_001083603.3); c.1284AGT[1], p.Val431del (NM_001083604.3, NM_001083605.3, NM_001083606.3 and 1 more transcripts); c.1581AGT[1], p.Val530del (NM_001354918.2); short protein forms V431del, V516del, V581del, V530del, V582del.
Identifiers: ClinVar variation 802502 (VCV000802502.4), dbSNP rs1588578556, ClinGen allele CA915947052.
Genomic context (GRCh38, chr9:95,469,917, plus strand): 5'-ATATAAATCCATGCTGAGAATTGCAGGAAAAATGAGCAGAACCATGGCAAAATTGAACAC[CACT>C]ACTACCGCTGCCTGGGAGCAGAAAAAAAATTCAGAGGTCACCAACATGCCTCCGCCCAAT-3'

ClinVar aggregate classification (germline): Conflicting classifications of pathogenicity. Review status: criteria provided, conflicting classifications (1 of 4 stars). 2 submissions from 2 submitters: Likely pathogenic (1); Uncertain significance (1). Last evaluated 2023-04-02.

Conditions:
Gorlin syndrome. Also called: Nevoid Basal Cell Carcinoma Syndrome; Basal cell nevus syndrome. Identifiers: Orphanet 377, MedGen C0004779, MONDO:0007187.

Submissions (2):

Labcorp Genetics (formerly Invitae), Labcorp
Classification: Uncertain significance for Gorlin syndrome. Last evaluated: 2023-04-02. Review status: criteria provided, single submitter. Criteria: Invitae Variant Classification Sherloc (09022015). Collection method: clinical testing. Allele origin: germline.
Comment: In summary, the available evidence is currently insufficient to determine the role of this variant in disease. Therefore, it has been classified as a Variant of Uncertain Significance. This variant has been observed in individual(s) with clinical features of basal cell nevus syndrome and/or nevoid basal cell carcinoma (PMID: 30411536; Invitae). This variant is not present in population databases (gnomAD no frequency). This variant, c.1740_1742del, results in the deletion of 1 amino acid(s) of the PTCH1 protein (p.Val582del), but otherwise preserves the integrity of the reading frame.

Mendelics
Classification: Likely pathogenic for Basal cell nevus syndrome 1. Last evaluated: 2019-05-28. Review status: criteria provided, single submitter. Criteria: Mendelics Assertion Criteria 2017. Collection method: clinical testing. Allele origin: unknown.

Literature cited by the submitters: PubMed 30411536 (cited by Labcorp Genetics (formerly Invitae), Labcorp).